The following is an entry in ClinVar:

ClinVar aggregate classification (germline): Pathogenic. Review status: criteria provided, multiple submitters, no conflicts (2 of 4 stars). 4 submissions from 4 submitters: Pathogenic (4). Last evaluated 2025-07-08.

Conditions:
Hereditary cancer-predisposing syndrome. Also called: Tumor predisposition; Neoplastic Syndromes, Hereditary; Hereditary Cancer Syndrome; Hereditary neoplastic syndrome. Identifiers: Orphanet 140162, MedGen C0027672, MeSH D009386, MONDO:0015356.
Ataxia-telangiectasia syndrome (AT). Also called: ATAXIA-TELANGIECTASIA, COMPLEMENTATION GROUP A; ATAXIA-TELANGIECTASIA, FRESNO VARIANT; LOUIS-BAR SYNDROME; Ataxia telangiectasia (A-T); Cerebello-oculocutaneous telangiectasia; Immunodeficiency with ataxia telangiectasia. Identifiers: Orphanet 100, MedGen C0004135, MONDO:0008840, OMIM 208900.
Familial cancer of breast. Also called: BREAST CANCER, FAMILIAL; Hereditary breast cancer; hereditary breast carcinoma. Identifiers: Orphanet 227535, MedGen C0346153, MONDO:0016419, OMIM 114480. Disease mechanism: loss of function.

Allele frequency attached by ClinVar (database versions not stated): gnomAD exomes below 0.00001.

Submissions (4):

Ambry Genetics
Classification: Pathogenic for Hereditary cancer-predisposing syndrome. Last evaluated: 2025-07-08. Review status: criteria provided, single submitter. Criteria: Ambry Variant Classification Scheme 2023. Collection method: clinical testing. Allele origin: germline.
Comment: The c.1858delT pathogenic mutation, located in coding exon 11 of the ATM gene, results from a deletion of one nucleotide at nucleotide position 1858, causing a translational frameshift with a predicted alternate stop codon (p.C620Vfs*5). This variant is considered to be rare based on population cohorts in the Genome Aggregation Database (gnomAD). This alteration is expected to result in loss of function by premature protein truncation or nonsense-mediated mRNA decay. As such, this alteration is interpreted as a disease-causing mutation.

Myriad Genetics, Inc.
Classification: Pathogenic for Familial cancer of breast. Last evaluated: 2024-01-16. Review status: criteria provided, single submitter. Criteria: Myriad Autosomal Dominant, Autosomal Recessive and X-Linked Classification Criteria (2023). Collection method: clinical testing. Allele origin: unknown.
Comment: This variant is considered pathogenic. This variant creates a frameshift predicted to result in premature protein truncation.

Labcorp Genetics (formerly Invitae), Labcorp
Classification: Pathogenic for Ataxia-telangiectasia syndrome. Last evaluated: 2023-01-28. Review status: criteria provided, single submitter. Criteria: Invitae Variant Classification Sherloc (09022015). Collection method: clinical testing. Allele origin: germline.
Comment: For these reasons, this variant has been classified as Pathogenic. ClinVar contains an entry for this variant (Variation ID: 628428). This variant has not been reported in the literature in individuals affected with ATM-related conditions. This variant is not present in population databases (gnomAD no frequency). This sequence change creates a premature translational stop signal (p.Cys620Valfs*5) in the ATM gene. It is expected to result in an absent or disrupted protein product. Loss-of-function variants in ATM are known to be pathogenic (PMID: 23807571, 25614872).

Color Diagnostics, LLC DBA Color Health
Classification: Pathogenic for Hereditary cancer-predisposing syndrome. Last evaluated: 2020-04-20. Review status: criteria provided, single submitter. Criteria: ACMG Guidelines, 2015. Collection method: clinical testing. Allele origin: germline.
Comment: This variant deletes 1 nucleotide in exon 12 of the ATM gene, creating a frameshift and premature translation stop signal. This variant is expected to result in an absent or non-functional protein product. To our knowledge, this variant has not been reported in individuals affected with hereditary cancer in the literature. This variant has not been identified in the general population by the Genome Aggregation Database (gnomAD). Loss of ATM function is a known mechanism of disease. Based on the available evidence, this variant is classified as Pathogenic.

Literature cited by the submitters: PubMed 23807571 (cited by Labcorp Genetics (formerly Invitae), Labcorp); PubMed 25614872 (cited by Labcorp Genetics (formerly Invitae), Labcorp).

NM_000051.4(ATM):c.1858del (p.Cys620fs)

Gene: ATM (ATM serine/threonine kinase; plus strand). Cytogenetic location: 11q22.3.
Variant type: Deletion.
Coding change: c.1858del on transcript NM_000051.4 (MANE Select); coding-DNA position 1858, one base deleted (T; older notation c.1858delT).
Protein change: p.Cys620fs; shifts the reading frame from cysteine 620.
Molecular consequence: frameshift variant.
Genome position (GRCh38, 1-based): chr11:108,252,872, T deleted. VCF-style (leftmost placement, unchanged base first): chr11-108252871-CT-C. GRCh37 (hg19) VCF-style: chr11-108123598-CT-C.
Other names: c.1858delT (NM_000051.3); c.1858del, p.Cys620fs (NM_001351834.2); short protein forms C620fs.
Identifiers: ClinVar variation 628428 (VCV000628428.13), dbSNP rs1565387848, ClinGen allele CA913188438.